The following is an entry in ClinVar:

ClinVar aggregate classification (germline): Uncertain significance (1 of 4 stars; one submission).

Conditions:
Neuronopathy, distal hereditary motor, type 7B. Also called: HMN VIIB; LOWER MOTOR NEURON DISEASE, DYNACTIN TYPE; Distal Hereditary Motor Neuronopathy Type 7B (dHMN7B); NEURONOPATHY, DISTAL HEREDITARY MOTOR, AUTOSOMAL DOMINANT 14; NEURONOPATHY, DISTAL HEREDITARY MOTOR, HARDING TYPE VIIB; NEUROPATHY, DISTAL HEREDITARY MOTOR, HARDING TYPE VIIB. Identifiers: Orphanet 139589, MedGen C1843315, MONDO:0011879, OMIM 607641.
Perry syndrome. Also called: PARKINSONISM WITH ALVEOLAR HYPOVENTILATION AND MENTAL DEPRESSION. Identifiers: Orphanet 178509, MedGen C1868594, MONDO:0008201, OMIM 168605.
Amyotrophic lateral sclerosis type 1 (ALS1). Also called: AMYOTROPHIC LATERAL SCLEROSIS 1, FAMILIAL. Identifiers: Orphanet 803, MedGen C1862939, MONDO:0007103, OMIM 105400.

Allele frequency attached by ClinVar (database versions not stated): gnomAD exomes below 0.00001; ExAC 0.00001; 1000 Genomes Project 30x 0.00016; 1000 Genomes Project 0.00020.
gnomAD v4.1: 5 of 1,614,186 alleles (0.00031%); highest among the groups gnomAD compares: East Asian, 0.0022%; no homozygotes.

Submission:

Labcorp Genetics (formerly Invitae), Labcorp
Classification: Uncertain significance for Amyotrophic lateral sclerosis type 1; Neuronopathy, distal hereditary motor, type 7B; Perry syndrome. Last evaluated: 2022-02-05. Review status: criteria provided, single submitter. Criteria: Invitae Variant Classification Sherloc (09022015). Collection method: clinical testing. Allele origin: germline.
Comment: In summary, the available evidence is currently insufficient to determine the role of this variant in disease. Therefore, it has been classified as a Variant of Uncertain Significance. Algorithms developed to predict the effect of missense changes on protein structure and function (SIFT, PolyPhen-2, Align-GVGD) all suggest that this variant is likely to be disruptive. This variant has not been reported in the literature in individuals affected with DCTN1-related conditions. This variant is not present in population databases (gnomAD no frequency). This sequence change replaces arginine, which is basic and polar, with tryptophan, which is neutral and slightly polar, at codon 532 of the DCTN1 protein (p.Arg532Trp).

NM_004082.5(DCTN1):c.1594C>T (p.Arg532Trp)

Gene: DCTN1 (dynactin subunit 1; minus strand). Cytogenetic location: 2p13.1.
Variant type: single nucleotide variant.
Coding change: c.1594C>T on transcript NM_004082.5 (MANE Select); coding-DNA position 1594, C replaced by T.
Protein change: p.Arg532Trp; replaces arginine 532 with tryptophan.
Molecular consequence: missense variant. On other transcripts: non-coding transcript variant (1).
Genome position (GRCh38, 1-based): chr2:74,369,205, G>A on the plus strand (C>T on the coding strand, the complement: DCTN1 is on the minus strand). VCF-style: chr2-74369205-G-A. GRCh37 (hg19) VCF-style: chr2-74596332-G-A.
Other names: c.1534C>T, p.Arg512Trp (NM_001135040.3); c.1192C>T, p.Arg398Trp (NM_001135041.3, NM_023019.4); c.1483C>T, p.Arg495Trp (NM_001190836.2); c.1573C>T, p.Arg525Trp (NM_001190837.2); c.1543C>T, p.Arg515Trp (NM_001378991.1); c.1525C>T, p.Arg509Trp (NM_001378992.1); short protein forms R509W, R525W, R398W, R495W, R532W, R512W, R515W.
Identifiers: ClinVar variation 1986696 (VCV001986696.4), dbSNP rs563630664, ClinGen allele CA1722094.